The following is an entry in ClinVar:

NM_003322.6(TULP1):c.627del (p.Ser210fs)

Gene: TULP1 (TUB like protein 1; minus strand). Cytogenetic location: 6p21.31.
Variant type: Deletion.
Coding change: c.627del on transcript NM_003322.6 (MANE Select); coding-DNA position 627, one base deleted (C; older notation c.627delC).
Protein change: p.Ser210fs; shifts the reading frame from serine 210.
Molecular consequence: frameshift variant.
Genome position (GRCh38, 1-based): chr6:35,509,725, G deleted on the plus strand (C on the coding strand, the reverse complement: TULP1 is on the minus strand); the first of 4 consecutive G bases (chr6:35,509,725-35,509,728); deleting any one gives the same sequence. VCF-style (leftmost placement, unchanged base first): chr6-35509724-AG-A. GRCh37 (hg19) VCF-style: chr6-35477501-AG-A.
Other names: c.468del, p.Ser157fs (NM_001289395.2); short protein forms S157fs, S210fs.
Identifiers: ClinVar variation 2734854 (VCV002734854.3), dbSNP rs1448980730, ClinGen allele CA824220006.
Genomic context (GRCh38, chr6:35,509,724, plus strand): 5'-TGCCTTCCCCAACCAGAAACATGGCTGCTGGGCTCTTCCTCGCACTGGCTGGGCTCCCTG[AG>A]GGGTCCTTGTCGGCCTCCCCAGACCCTGCATGTGTGGATGTGAAAGCGTCACAACCCCCA-3'

ClinVar aggregate classification (germline): Pathogenic. Review status: criteria provided, multiple submitters, no conflicts (2 of 4 stars). 2 submissions from 2 submitters: Pathogenic (2). Last evaluated 2025-09-23.

Conditions:
Retinitis pigmentosa 14 (RP14). Also called: RETINITIS PIGMENTOSA, JUVENILE, TULP1-RELATED. Identifiers: Orphanet 791, MedGen C1838603, MONDO:0010827, OMIM 600132.

Submissions (2):

Institute of Medical Genetics and Applied Genomics, University Hospital Tübingen
Classification: Pathogenic for Retinitis pigmentosa 14. Last evaluated: 2025-09-23. Review status: criteria provided, single submitter. Criteria: ACMG Guidelines, 2015. Collection method: clinical testing. Allele origin: germline. Inheritance: Autosomal recessive inheritance. Affected: yes.

Labcorp Genetics (formerly Invitae), Labcorp
Classification: Pathogenic. Last evaluated: 2024-02-04. Review status: criteria provided, single submitter. Criteria: Invitae Variant Classification Sherloc (09022015). Collection method: clinical testing. Allele origin: germline.
Comment: This sequence change creates a premature translational stop signal (p.Ser210Glnfs*27) in the TULP1 gene. It is expected to result in an absent or disrupted protein product. Loss-of-function variants in TULP1 are known to be pathogenic (PMID: 8606774, 10549638, 15024725, 18055821). This variant is not present in population databases (gnomAD no frequency). This premature translational stop signal has been observed in individual(s) with inherited retinal dystrophy (PMID: 27440997). For these reasons, this variant has been classified as Pathogenic.

Literature cited by the submitters: PubMed 8606774 (cited by Labcorp Genetics (formerly Invitae), Labcorp); PubMed 10549638 (cited by Labcorp Genetics (formerly Invitae), Labcorp); PubMed 15024725 (cited by Labcorp Genetics (formerly Invitae), Labcorp); PubMed 18055821 (cited by Labcorp Genetics (formerly Invitae), Labcorp); PubMed 27440997 (cited by Labcorp Genetics (formerly Invitae), Labcorp).